The following is an entry in ClinVar:

NM_005245.4(FAT1):c.12157G>A (p.Val4053Ile)

Gene: FAT1 (FAT atypical cadherin 1; minus strand). Cytogenetic location: 4q35.2.
Variant type: single nucleotide variant.
Coding change: c.12157G>A on transcript NM_005245.4 (MANE Select); coding-DNA position 12157, G replaced by A.
Protein change: p.Val4053Ile; replaces valine 4053 with isoleucine.
Molecular consequence: missense variant.
Genome position (GRCh38, 1-based): chr4:186,598,072, C>T on the plus strand (G>A on the coding strand, the complement: FAT1 is on the minus strand). VCF-style: chr4-186598072-C-T. GRCh37 (hg19) VCF-style: chr4-187519226-C-T.
Other names: c.12157G>A (NM_005245.3); short protein forms V4053I.
Identifiers: ClinVar variation 1480658 (VCV001480658.8), dbSNP rs200611830, ClinGen allele CA3164923.

ClinVar aggregate classification (germline): Uncertain significance. Review status: criteria provided, multiple submitters, no conflicts (2 of 4 stars). 3 submissions from 3 submitters: Uncertain significance (3). Last evaluated 2023-07-17.

Conditions:
Inborn genetic diseases. Identifiers: MedGen C0950123, MeSH D030342.

Allele frequency attached by ClinVar (database versions not stated): gnomAD exomes 0.00003 and 0.00007; ExAC 0.00005; TOPMed 0.00014; gnomAD 0.00015; ESP Exome Variant Server 0.00016; 1000 Genomes Project 30x 0.00031; 1000 Genomes Project 0.00040.
gnomAD v4.1: 68 of 1,613,864 alleles (0.0042%); highest among the groups gnomAD compares: African/African-American, 0.043%; no homozygotes.

Submissions (3):

Labcorp Genetics (formerly Invitae), Labcorp
Classification: Uncertain significance. Last evaluated: 2023-07-17. Review status: criteria provided, single submitter. Criteria: Invitae Variant Classification Sherloc (09022015). Collection method: clinical testing. Allele origin: germline.
Comment: In summary, the available evidence is currently insufficient to determine the role of this variant in disease. Therefore, it has been classified as a Variant of Uncertain Significance. Algorithms developed to predict the effect of missense changes on protein structure and function output the following: SIFT: "Not Available"; PolyPhen-2: "Benign"; Align-GVGD: "Not Available". The isoleucine amino acid residue is found in multiple mammalian species, which suggests that this missense change does not adversely affect protein function. ClinVar contains an entry for this variant (Variation ID: 1480658). This variant has not been reported in the literature in individuals affected with FAT1-related conditions. This variant is present in population databases (rs200611830, gnomAD 0.04%). This sequence change replaces valine, which is neutral and non-polar, with isoleucine, which is neutral and non-polar, at codon 4053 of the FAT1 protein (p.Val4053Ile).

GeneDx
Classification: Uncertain significance. Last evaluated: 2022-10-31. Review status: criteria provided, single submitter. Criteria: GeneDx Variant Classification Process June 2021. Collection method: clinical testing. Allele origin: germline. Affected: yes.
Comment: In silico analysis supports that this missense variant does not alter protein structure/function; Has not been previously published as pathogenic or benign to our knowledge

Ambry Genetics
Classification: Uncertain significance for Inborn genetic diseases. Last evaluated: 2022-01-26. Review status: criteria provided, single submitter. Criteria: Ambry Variant Classification Scheme 2023. Collection method: clinical testing. Allele origin: germline.